The following is an entry in ClinVar:

ClinVar aggregate classification (germline): Uncertain significance (1 of 4 stars; one submission).

Conditions:
Hereditary cancer-predisposing syndrome. Also called: Tumor predisposition; Neoplastic Syndromes, Hereditary; Hereditary Cancer Syndrome; Hereditary neoplastic syndrome. Identifiers: Orphanet 140162, MedGen C0027672, MeSH D009386, MONDO:0015356.

gnomAD v4.1: 2 of 1,614,214 alleles (0.00012%); highest among the groups gnomAD compares: South Asian, 0.0011%; no homozygotes.

Submission:

Ambry Genetics
Classification: Uncertain significance for Hereditary cancer-predisposing syndrome. Last evaluated: 2024-12-10. Review status: criteria provided, single submitter. Criteria: Ambry Variant Classification Scheme 2023. Collection method: clinical testing. Allele origin: germline.
Comment: The p.V292A variant (also known as c.875T>C), located in coding exon 7 of the EGFR gene, results from a T to C substitution at nucleotide position 875. The valine at codon 292 is replaced by alanine, an amino acid with similar properties. This amino acid position is conserved. In addition, the in silico prediction for this alteration is inconclusive. Based on the available evidence, the clinical significance of this variant remains unclear.

NM_005228.5(EGFR):c.875T>C (p.Val292Ala)

Gene: EGFR (epidermal growth factor receptor; plus strand). Cytogenetic location: 7p11.2.
Variant type: single nucleotide variant.
Coding change: c.875T>C on transcript NM_005228.5 (MANE Select); coding-DNA position 875, T replaced by C.
Protein change: p.Val292Ala; replaces valine 292 with alanine.
Molecular consequence: missense variant. On other transcripts: intron variant (1).
Genome position (GRCh38, 1-based): chr7:55,154,138, T>C. VCF-style: chr7-55154138-T-C. GRCh37 (hg19) VCF-style: chr7-55221831-T-C.
Other names: c.740T>C, p.Val247Ala (NM_001346897.2, NM_001346899.2); c.875T>C, p.Val292Ala (NM_001346898.2, NM_201282.2, NM_201283.2 and 1 more transcripts); c.716T>C, p.Val239Ala (NM_001346900.2); c.89-1692T>C (NM_001346941.2); short protein forms V292A, V239A, V247A.
Identifiers: ClinVar variation 3507185 (VCV003507185.1).
Genomic context (GRCh38, chr7:55,154,138, plus strand): 5'-CCACCACGTACCAGATGGATGTGAACCCCGAGGGCAAATACAGCTTTGGTGCCACCTGCG[T>C]GAAGAAGTGTCCCCGTGAGTCCTCCTCTGTGGGCCCTCTAACTGGTCAGGCATCCTTGTC-3'
Protein context (NP_005219.2, residues 282-302): EGKYSFGATC[Val292Ala]KKCPRNYVVT